The following is an entry in ClinVar:

NM_000434.4(NEU1):c.352+1G>A

Gene: NEU1 (neuraminidase 1; minus strand). Cytogenetic location: 6p21.33.
Variant type: single nucleotide variant.
Coding change: c.352+1G>A on transcript NM_000434.4 (MANE Select); the canonical splice donor site of the intron after coding-DNA position 352, G replaced by A.
Molecular consequence: splice donor variant.
Genome position (GRCh38, 1-based): chr6:31,861,998, C>T on the plus strand (G>A on the coding strand, the complement: NEU1 is on the minus strand). VCF-style: chr6-31861998-C-T. GRCh37 (hg19) VCF-style: chr6-31829775-C-T.
Identifiers: ClinVar variation 2780071 (VCV002780071.3), dbSNP rs2481407914, ClinGen allele CA363495381.
Genomic context (GRCh38, chr6:31,861,998, plus strand): 5'-CTCATTGGGCTGCCCACCCATCCAACCTAGCACCGGCTCTTTCACCCAGACATCTTTATA[C>T]CCTGGTCCATGGACCTCCGCAGGGCGATGAACTTGGCCCCCTCATCGGATGAGGACATTT-3'

ClinVar aggregate classification (germline): Likely pathogenic (1 of 4 stars; one submission).

Submission:

Labcorp Genetics (formerly Invitae), Labcorp
Classification: Likely pathogenic. Last evaluated: 2024-01-17. Review status: criteria provided, single submitter. Criteria: Invitae Variant Classification Sherloc (09022015). Collection method: clinical testing. Allele origin: germline.
Comment: This sequence change affects a donor splice site in intron 2 of the NEU1 gene. It is expected to disrupt RNA splicing. Variants that disrupt the donor or acceptor splice site typically lead to a loss of protein function (PMID: 16199547), and loss-of-function variants in NEU1 are known to be pathogenic (PMID: 11063730, 14517945). This variant is not present in population databases (gnomAD no frequency). This variant has not been reported in the literature in individuals affected with NEU1-related conditions. Algorithms developed to predict the effect of sequence changes on RNA splicing suggest that this variant may disrupt the consensus splice site. In summary, the currently available evidence indicates that the variant is pathogenic, but additional data are needed to prove that conclusively. Therefore, this variant has been classified as Likely Pathogenic.

Literature cited by the submitters: PubMed 16199547; PubMed 11063730; PubMed 14517945.